The following is an entry in ClinVar:

ClinVar aggregate classification (germline): Uncertain significance (1 of 4 stars; one submission).

Conditions:
Saldino-Mainzer syndrome (SRTD9). Also called: CONORENAL SYNDROME; Renal dysplasia, retinal pigmentary dystrophy, cerebellar ataxia and skeletal dysplasia; SHORT-RIB THORACIC DYSPLASIA 9 WITHOUT POLYDACTYLY; short-rib thoracic dysplasia 9 with or without polydactyly. Identifiers: Orphanet 140969, MedGen C1849437, MONDO:0009964, OMIM 266920.

Submission:

Labcorp Genetics (formerly Invitae), Labcorp
Classification: Uncertain significance for Saldino-Mainzer syndrome. Last evaluated: 2022-02-24. Review status: criteria provided, single submitter. Criteria: Invitae Variant Classification Sherloc (09022015). Collection method: clinical testing. Allele origin: germline.
Comment: In summary, the available evidence is currently insufficient to determine the role of this variant in disease. Therefore, it has been classified as a Variant of Uncertain Significance. Algorithms developed to predict the effect of missense changes on protein structure and function are either unavailable or do not agree on the potential impact of this missense change (SIFT: "Deleterious"; PolyPhen-2: "Possibly Damaging"; Align-GVGD: "Class C0"). This variant has not been reported in the literature in individuals affected with IFT140-related conditions. This variant is not present in population databases (gnomAD no frequency). This sequence change replaces glutamic acid, which is acidic and polar, with lysine, which is basic and polar, at codon 325 of the IFT140 protein (p.Glu325Lys).

NM_014714.4(IFT140):c.973G>A (p.Glu325Lys)

Genes: IFT140 (intraflagellar transport 140; minus strand), LOC105371046 (uncharacterized LOC105371046; plus strand). Cytogenetic location: 16p13.3.
Variant type: single nucleotide variant.
Coding change: c.973G>A on transcript NM_014714.4 (MANE Select); coding-DNA position 973, G replaced by A.
Protein change: p.Glu325Lys; replaces glutamic acid 325 with lysine.
Molecular consequence: missense variant.
Genome position (GRCh38, 1-based): chr16:1,587,234, C>T on the plus strand (G>A on the coding strand, the complement: IFT140 is on the minus strand). VCF-style: chr16-1587234-C-T. GRCh37 (hg19) VCF-style: chr16-1637235-C-T.
Other names: short protein forms E325K.
Identifiers: ClinVar variation 2102890 (VCV002102890.4), dbSNP rs2141851736, ClinGen allele CA394216783.